The following is an entry in ClinVar:

ClinVar aggregate classification (germline): Uncertain significance (1 of 4 stars; one submission).

Conditions:
Hereditary cancer-predisposing syndrome. Also called: Hereditary Cancer Syndrome; Hereditary neoplastic syndrome; Neoplastic Syndromes, Hereditary; Tumor predisposition. Identifiers: Orphanet 140162, MedGen C0027672, MeSH D009386, MONDO:0015356.

Submission:

Ambry Genetics
Classification: Uncertain significance for Hereditary cancer-predisposing syndrome. Last evaluated: 2025-08-25. Review status: criteria provided, single submitter. Criteria: Ambry Variant Classification Scheme 2023. Collection method: clinical testing. Allele origin: germline.
Comment: The c.1509_1511delTAAinsGAT variant (also known as p.K504M), located in coding exon 10 of the FH gene, results from an in-frame deletion of TAA and insertion of GAT at nucleotide positions 1509 to 1511. This results in the substitution of the lysine residue for a methionine residue at codon 504, an amino acid with similar properties. This amino acid position is not well conserved in available vertebrate species. The in silico prediction by BayesDel for this alteration is inconclusive. Based on the available evidence, the clinical significance of this variant remains unclear.

NM_000143.4(FH):c.1509_1511delinsGAT (p.Lys504Met)

Gene: FH (fumarate hydratase; minus strand). Cytogenetic location: 1q43.
Variant type: Indel.
Coding change: c.1509_1511delinsGAT on transcript NM_000143.4 (MANE Select); coding-DNA positions 1509 to 1511, TAA replaced by GAT.
Protein change: p.Lys504Met; replaces lysine 504 with methionine.
Molecular consequence: missense variant.
Genome position (GRCh38, 1-based): chr1:241,497,850-241,497,852, TTA replaced by ATC on the plus strand (TAA replaced by GAT on the coding strand, the reverse complement: FH is on the minus strand). VCF-style: chr1-241497850-TTA-ATC. GRCh37 (hg19) VCF-style: chr1-241661150-TTA-ATC.
Other names: short protein forms K504M.
Identifiers: ClinVar variation 4257352 (VCV004257352.1).